The following is an entry in ClinVar:

NM_013296.5(GPSM2):c.593G>A (p.Arg198Gln)

Gene: GPSM2 (G protein signaling modulator 2; plus strand). Cytogenetic location: 1p13.3.
Variant type: single nucleotide variant.
Coding change: c.593G>A on transcript NM_013296.5 (MANE Select); coding-DNA position 593, G replaced by A.
Protein change: p.Arg198Gln; replaces arginine 198 with glutamine.
Molecular consequence: missense variant.
Genome position (GRCh38, 1-based): chr1:108,898,677, G>A. VCF-style: chr1-108898677-G-A. GRCh37 (hg19) VCF-style: chr1-109441299-G-A.
Other names: c.593G>A, p.Arg198Gln (NM_001321038.2, NM_001321039.3); short protein forms R198Q.
Identifiers: ClinVar variation 178375 (VCV000178375.6), dbSNP rs371700490, ClinGen allele CA182210.

ClinVar aggregate classification (germline): Uncertain significance. Review status: criteria provided, multiple submitters, no conflicts (2 of 4 stars). 2 submissions from 2 submitters: Uncertain significance (2). Last evaluated 2022-08-16.

Allele frequency attached by ClinVar (database versions not stated): ExAC 0.00002; gnomAD exomes 0.00002; TOPMed 0.00003; gnomAD 0.00006; ESP Exome Variant Server 0.00008.
gnomAD v4.1: 34 of 1,613,526 alleles (0.0021%); highest among the groups gnomAD compares: Middle Eastern, 0.033%; no homozygotes.

Submissions (2):

Labcorp Genetics (formerly Invitae), Labcorp
Classification: Uncertain significance. Last evaluated: 2022-08-16. Review status: criteria provided, single submitter. Criteria: Invitae Variant Classification Sherloc (09022015). Collection method: clinical testing. Allele origin: germline.
Comment: In summary, the available evidence is currently insufficient to determine the role of this variant in disease. Therefore, it has been classified as a Variant of Uncertain Significance. Algorithms developed to predict the effect of missense changes on protein structure and function are either unavailable or do not agree on the potential impact of this missense change (SIFT: "Tolerated"; PolyPhen-2: "Possibly Damaging"; Align-GVGD: "Class C0"). ClinVar contains an entry for this variant (Variation ID: 178375). This variant has not been reported in the literature in individuals affected with GPSM2-related conditions. This variant is present in population databases (rs371700490, gnomAD 0.02%). This sequence change replaces arginine, which is basic and polar, with glutamine, which is neutral and polar, at codon 198 of the GPSM2 protein (p.Arg198Gln).

Laboratory for Molecular Medicine, Mass General Brigham Personalized Medicine
Classification: Uncertain significance. Last evaluated: 2013-03-18. Review status: criteria provided, single submitter. Criteria: LMM Criteria. Collection method: clinical testing. Allele origin: germline. Observed: 1 variant allele.
Comment: The Arg198Gln variant in GPSM2 has not been reported in affected individuals but has been identified in 1/4406 (0.02%) African American chromosomes from a broad population by the NHLBI Exome Sequencing Project (EVS/). Although this variant has been seen in the general population, its freque ncy is not a high enough to rule out a pathogenic role. Computational analyses ( biochemical amino acid properties, conservation, AlignGVGD, PolyPhen2, and SIFT) do not provide strong support for or against an impact to the protein. In summ ary, additional information is needed to fully assess the clinical significance of the Arg198Gln variant.